The following is an entry in ClinVar:

NM_007194.4(CHEK2):c.1508A>G (p.Asn503Ser)

Gene: CHEK2 (checkpoint kinase 2; minus strand). Cytogenetic location: 22q12.1.
Variant type: single nucleotide variant.
Coding change: c.1508A>G on transcript NM_007194.4 (MANE Select); coding-DNA position 1508, A replaced by G.
Protein change: p.Asn503Ser; replaces asparagine 503 with serine.
Molecular consequence: missense variant.
Genome position (GRCh38, 1-based): chr22:28,689,169, T>C on the plus strand (A>G on the coding strand, the complement: CHEK2 is on the minus strand). VCF-style: chr22-28689169-T-C. GRCh37 (hg19) VCF-style: chr22-29085157-T-C.
Other names: c.1637A>G, p.Asn546Ser (NM_001005735.3); c.845A>G, p.Asn282Ser (NM_001257387.3); c.1307A>G, p.Asn436Ser (NM_001349956.3); c.1421A>G, p.Asn474Ser (NM_145862.3); short protein forms N503S, N436S, N474S, N546S, N282S.
Identifiers: ClinVar variation 460805 (VCV000460805.13), dbSNP rs1555912017, ClinGen allele CA411092397.

ClinVar aggregate classification (germline): Conflicting classifications of pathogenicity. Review status: criteria provided, conflicting classifications (1 of 4 stars). 2 submissions from 2 submitters: Uncertain significance (1); Likely benign (1). Last evaluated 2024-04-30.

Conditions:
Hereditary cancer-predisposing syndrome. Also called: Neoplastic Syndromes, Hereditary; Tumor predisposition; Hereditary Cancer Syndrome; Hereditary neoplastic syndrome. Identifiers: Orphanet 140162, MedGen C0027672, MeSH D009386, MONDO:0015356.
Familial cancer of breast. Also called: BREAST CANCER, FAMILIAL; hereditary breast carcinoma; Hereditary breast cancer. Identifiers: Orphanet 227535, MedGen C0346153, MONDO:0016419, OMIM 114480. Disease mechanism: loss of function.

Allele frequency attached by ClinVar (database versions not stated): TOPMed below 0.00001.

Submissions (2):

Ambry Genetics
Classification: Likely benign for Hereditary cancer-predisposing syndrome. Last evaluated: 2024-04-30. Review status: criteria provided, single submitter. Criteria: Ambry Variant Classification Scheme 2023. Collection method: clinical testing. Allele origin: germline.

Labcorp Genetics (formerly Invitae), Labcorp
Classification: Uncertain significance for Familial cancer of breast. Last evaluated: 2022-10-07. Review status: criteria provided, single submitter. Criteria: Invitae Variant Classification Sherloc (09022015). Collection method: clinical testing. Allele origin: germline.
Comment: This sequence change replaces asparagine, which is neutral and polar, with serine, which is neutral and polar, at codon 503 of the CHEK2 protein (p.Asn503Ser). This variant is not present in population databases (gnomAD no frequency). This variant has not been reported in the literature in individuals affected with CHEK2-related conditions. ClinVar contains an entry for this variant (Variation ID: 460805). Algorithms developed to predict the effect of missense changes on protein structure and function (SIFT, PolyPhen-2, Align-GVGD) all suggest that this variant is likely to be tolerated. Algorithms developed to predict the effect of sequence changes on RNA splicing suggest that this variant may create or strengthen a splice site. In summary, the available evidence is currently insufficient to determine the role of this variant in disease. Therefore, it has been classified as a Variant of Uncertain Significance.